The following is an entry in ClinVar:

ClinVar aggregate classification (germline): Likely pathogenic (1 of 4 stars; one submission).

Conditions:
Dilated cardiomyopathy 1G (CMD1G). Identifiers: Orphanet 154, MedGen C1858763, MONDO:0011400, OMIM 604145.
Autosomal recessive limb-girdle muscular dystrophy type 2J (LGMDR10). Also called: Limb-girdle muscular dystrophy, type 2J; MUSCULAR DYSTROPHY, LIMB-GIRDLE, AUTOSOMAL RECESSIVE 10. Identifiers: Orphanet 140922, MedGen C1837342, MONDO:0012127, OMIM 608807.

Submission:

Labcorp Genetics (formerly Invitae), Labcorp
Classification: Likely pathogenic for Dilated cardiomyopathy 1G; Autosomal recessive limb-girdle muscular dystrophy type 2J. Last evaluated: 2024-10-18. Review status: criteria provided, single submitter. Criteria: Invitae Variant Classification Sherloc (09022015). Collection method: clinical testing. Allele origin: germline.
Comment: This sequence change creates a premature translational stop signal (p.Lys10573Serfs*52) in the TTN gene. While this is not anticipated to result in nonsense mediated decay, it is expected to create a truncated TTN protein. This variant is not present in population databases (gnomAD no frequency). This variant has not been reported in the literature in individuals affected with TTN-related conditions. ClinVar contains an entry for this variant (Variation ID: 1364457). This variant is located in the I band of TTN (PMID: 25589632). Truncating variants in this region have been reported in individuals affected with autosomal recessive centronuclear myopathy (PMID: 23975875, internal data). Truncating variants in this region have also been identified in individuals affected with autosomal dominant dilated cardiomyopathy and/or cardio-related conditions (PMID: 27869827, 32964742, internal data). In summary, the currently available evidence indicates that the variant is pathogenic, but additional data are needed to prove that conclusively. Therefore, this variant has been classified as Likely Pathogenic.

Literature cited by the submitters: PubMed 25589632; PubMed 23975875; PubMed 27869827; PubMed 32964742.

NM_001267550.2(TTN):c.31718del (p.Lys10573fs)

Gene: TTN (titin; minus strand). Cytogenetic location: 2q31.2.
Variant type: Deletion.
Coding change: c.31718del on transcript NM_001267550.2 (MANE Select); coding-DNA position 31718, one base deleted (A; older notation c.31718delA).
Protein change: p.Lys10573fs; shifts the reading frame from lysine 10573.
Molecular consequence: frameshift variant. On other transcripts: intron variant (3).
Genome position (GRCh38, 1-based): chr2:178,692,060, T deleted on the plus strand (A on the coding strand, the reverse complement: TTN is on the minus strand); the first of 5 consecutive T bases (chr2:178,692,060-178,692,064); deleting any one gives the same sequence. VCF-style (leftmost placement, unchanged base first): chr2-178692059-CT-C. GRCh37 (hg19) VCF-style: chr2-179556786-CT-C.
Other names: c.30767del, p.Lys10256fs (NM_001256850.1); c.27986del, p.Lys9329fs (NM_133378.4); c.13282+46022del (NM_003319.4); c.13858+46022del (NM_133437.4); c.13657+46022del (NM_133432.3); short protein forms K10256fs, K10573fs, K9329fs.
Identifiers: ClinVar variation 1364457 (VCV001364457.6), dbSNP rs2154280109, ClinGen allele CA2573133909.